The following is an entry in ClinVar:

ClinVar aggregate classification (germline): Uncertain significance (1 of 4 stars; one submission).

Submission:

Labcorp Genetics (formerly Invitae), Labcorp
Classification: Uncertain significance. Last evaluated: 2024-07-26. Review status: criteria provided, single submitter. Criteria: Invitae Variant Classification Sherloc (09022015). Collection method: clinical testing. Allele origin: germline.
Comment: This sequence change replaces glutamic acid, which is acidic and polar, with lysine, which is basic and polar, at codon 661 of the SETD5 protein (p.Glu661Lys). This variant is not present in population databases (gnomAD no frequency). This variant has not been reported in the literature in individuals affected with SETD5-related conditions. Advanced modeling of protein sequence and biophysical properties (such as structural, functional, and spatial information, amino acid conservation, physicochemical variation, residue mobility, and thermodynamic stability) has been performed at Invitae for this missense variant, however the output from this modeling did not meet the statistical confidence thresholds required to predict the impact of this variant on SETD5 protein function. In summary, the available evidence is currently insufficient to determine the role of this variant in disease. Therefore, it has been classified as a Variant of Uncertain Significance.

NM_001080517.3(SETD5):c.1981G>A (p.Glu661Lys)

Gene: SETD5 (SET domain containing 5; plus strand). Cytogenetic location: 3p25.3.
Variant type: single nucleotide variant.
Coding change: c.1981G>A on transcript NM_001080517.3 (MANE Select); coding-DNA position 1981, G replaced by A.
Protein change: p.Glu661Lys; replaces glutamic acid 661 with lysine.
Molecular consequence: missense variant.
Genome position (GRCh38, 1-based): chr3:9,447,884, G>A. VCF-style: chr3-9447884-G-A. GRCh37 (hg19) VCF-style: chr3-9489568-G-A.
Other names: c.1687G>A, p.Glu563Lys (NM_001292043.2, NM_001349451.2); short protein forms E563K, E661K.
Identifiers: ClinVar variation 3660649 (VCV003660649.2).